The following is an entry in ClinVar:

ClinVar aggregate classification (germline): Pathogenic (0 of 4 stars; one submission).

Conditions:
Cleidocranial dysostosis (CLCD1). Also called: Cleidocranial Dysplasia Spectrum Disorder; cleidocranial dysplasia 1; Marie-Sainton disease. Identifiers: Orphanet 1452, MedGen C0008928, MONDO:0007340, OMIM 119600.

Submission:

Istanbul Faculty of Medicine, Istanbul University
Classification: Pathogenic for Cleidocranial dysplasia. Last evaluated: 2020-05-23. Review status: no assertion criteria provided. Collection method: clinical testing. Allele origin: germline. Affected: yes. Observed: 5 variant alleles.
Comment: Identified in index patients of two unrelated families and segregates in their families

Literature cited by the submitters: PubMed 33987976.

NM_001024630.4(RUNX2):c.1281del (p.Gly428fs)

Gene: RUNX2 (RUNX family transcription factor 2; plus strand). Cytogenetic location: 6p21.1.
Variant type: Deletion.
Coding change: c.1281del on transcript NM_001024630.4 (MANE Select); coding-DNA position 1281, one base deleted (C; older notation c.1281delC).
Protein change: p.Gly428fs; shifts the reading frame from glycine 428.
Molecular consequence: frameshift variant.
Genome position (GRCh38, 1-based): chr6:45,547,020, C deleted; the last of 4 consecutive C bases (chr6:45,547,017-45,547,020); deleting any one gives the same sequence. VCF-style (leftmost placement, unchanged base first): chr6-45547016-AC-A. GRCh37 (hg19) VCF-style: chr6-45514753-AC-A.
Other names: c.1281delC (NM_001024630.4); c.1215del, p.Gly406fs (NM_001015051.4); c.1173del, p.Gly392fs (NM_001278478.2); c.1239del, p.Gly414fs (NM_001369405.1); short protein forms G392fs, G406fs, G414fs, G428fs.
Identifiers: ClinVar variation 916705 (VCV000916705.3), dbSNP rs1802421481, ClinGen allele CA1139659581.